The following is an entry in ClinVar:

NM_014000.3(VCL):c.1792G>C (p.Val598Leu)

Gene: VCL (vinculin; plus strand). Cytogenetic location: 10q22.2.
Variant type: single nucleotide variant.
Coding change: c.1792G>C on transcript NM_014000.3 (MANE Select); coding-DNA position 1792, G replaced by C.
Protein change: p.Val598Leu; replaces valine 598 with leucine.
Molecular consequence: missense variant.
Genome position (GRCh38, 1-based): chr10:74,097,252, G>C. VCF-style: chr10-74097252-G-C. GRCh37 (hg19) VCF-style: chr10-75857010-G-C.
Other names: c.1792G>C, p.Val598Leu (NM_003373.4); short protein forms V598L.
Identifiers: ClinVar variation 956908 (VCV000956908.8), dbSNP rs397517235, ClinGen allele CA377276615.
Genomic context (GRCh38, chr10:74,097,252, plus strand): 5'-AATGTTTTTAAGGATCTAAAAGCTCGGATGCAGGAGGCCATGACTCAGGAAGTGTCAGAT[G>C]TTTTCAGCGATACCACAACTCCCATCAAGCTGTTGGCAGTGGCAGCCACGGCGCCTCCTG-3'
Protein context (NP_054706.1, residues 588-608): QEAMTQEVSD[Val598Leu]FSDTTTPIKL

ClinVar aggregate classification (germline): Uncertain significance (1 of 4 stars; one submission).

Conditions:
Dilated cardiomyopathy 1W (CMD1W). Identifiers: Orphanet 154, MedGen C1969639, MONDO:0012667, OMIM 611407.

gnomAD v4.1: 1 of 1,614,160 alleles (0.000062%); highest among the groups gnomAD compares: Non-Finnish European, 0.000085%; no homozygotes.

Submission:

Labcorp Genetics (formerly Invitae), Labcorp
Classification: Uncertain significance for Dilated cardiomyopathy 1W. Last evaluated: 2019-10-11. Review status: criteria provided, single submitter. Criteria: Invitae Variant Classification Sherloc (09022015). Collection method: clinical testing. Allele origin: germline.
Comment: This variant is not present in population databases (ExAC no frequency). In summary, the available evidence is currently insufficient to determine the role of this variant in disease. Therefore, it has been classified as a Variant of Uncertain Significance. Algorithms developed to predict the effect of missense changes on protein structure and function (SIFT, PolyPhen-2, Align-GVGD) all suggest that this variant is likely to be tolerated, but these predictions have not been confirmed by published functional studies and their clinical significance is uncertain. This variant has not been reported in the literature in individuals with VCL-related conditions. This sequence change replaces valine with leucine at codon 598 of the VCL protein (p.Val598Leu). The valine residue is highly conserved and there is a small physicochemical difference between valine and leucine.